The following is an entry in ClinVar:

ClinVar aggregate classification (germline): Uncertain significance (1 of 4 stars; one submission).

Conditions:
Amyotrophic lateral sclerosis type 1 (ALS1). Also called: AMYOTROPHIC LATERAL SCLEROSIS 1, FAMILIAL. Identifiers: Orphanet 803, MedGen C1862939, MONDO:0007103, OMIM 105400.
Neuronopathy, distal hereditary motor, type 7B. Also called: NEURONOPATHY, DISTAL HEREDITARY MOTOR, AUTOSOMAL DOMINANT 14; NEURONOPATHY, DISTAL HEREDITARY MOTOR, HARDING TYPE VIIB; NEUROPATHY, DISTAL HEREDITARY MOTOR, HARDING TYPE VIIB; NEUROPATHY, DISTAL HEREDITARY MOTOR, WITH VOCAL CORD PARALYSIS, HARDING TYPE VIIB; HMN VIIB; LOWER MOTOR NEURON DISEASE, DYNACTIN TYPE. Identifiers: Orphanet 139589, MedGen C1843315, MONDO:0011879, OMIM 607641.
Perry syndrome. Also called: PARKINSONISM WITH ALVEOLAR HYPOVENTILATION AND MENTAL DEPRESSION. Identifiers: Orphanet 178509, MedGen C1868594, MONDO:0008201, OMIM 168605.

gnomAD v4.1: 2 of 1,614,176 alleles (0.00012%); highest among the groups gnomAD compares: Non-Finnish European, 0.00017%; no homozygotes.

Submission:

Labcorp Genetics (formerly Invitae), Labcorp
Classification: Uncertain significance for Amyotrophic lateral sclerosis type 1; Neuronopathy, distal hereditary motor, type 7B; Perry syndrome. Last evaluated: 2024-08-22. Review status: criteria provided, single submitter. Criteria: Invitae Variant Classification Sherloc (09022015). Collection method: clinical testing. Allele origin: germline.
Comment: This sequence change replaces arginine, which is basic and polar, with cysteine, which is neutral and slightly polar, at codon 90 of the DCTN1 protein (p.Arg90Cys). This variant is not present in population databases (gnomAD no frequency). This variant has not been reported in the literature in individuals affected with DCTN1-related conditions. Invitae Evidence Modeling of protein sequence and biophysical properties (such as structural, functional, and spatial information, amino acid conservation, physicochemical variation, residue mobility, and thermodynamic stability) indicates that this missense variant is expected to disrupt DCTN1 protein function with a positive predictive value of 80%. In summary, the available evidence is currently insufficient to determine the role of this variant in disease. Therefore, it has been classified as a Variant of Uncertain Significance.

NM_004082.5(DCTN1):c.268C>T (p.Arg90Cys)

Gene: DCTN1 (dynactin subunit 1; minus strand). Cytogenetic location: 2p13.1.
Variant type: single nucleotide variant.
Coding change: c.268C>T on transcript NM_004082.5 (MANE Select); coding-DNA position 268, C replaced by T.
Protein change: p.Arg90Cys; replaces arginine 90 with cysteine.
Molecular consequence: missense variant. On other transcripts: non-coding transcript variant (1).
Genome position (GRCh38, 1-based): chr2:74,378,011, G>A on the plus strand (C>T on the coding strand, the complement: DCTN1 is on the minus strand). VCF-style: chr2-74378011-G-A. GRCh37 (hg19) VCF-style: chr2-74605138-G-A.
Other names: c.268C>T, p.Arg90Cys (NM_001135040.3, NM_001190837.2); c.217C>T, p.Arg73Cys (NM_001190836.2, NM_001378991.1, NM_001378992.1); short protein forms R73C, R90C.
Identifiers: ClinVar variation 3750030 (VCV003750030.2).